The following is an entry in ClinVar:

NM_005902.4(SMAD3):c.803G>A (p.Arg268His)

Gene: SMAD3 (SMAD family member 3; plus strand). Cytogenetic location: 15q22.33.
Variant type: single nucleotide variant.
Coding change: c.803G>A on transcript NM_005902.4 (MANE Select); coding-DNA position 803, G replaced by A.
Protein change: p.Arg268His; replaces arginine 268 with histidine.
Molecular consequence: missense variant.
Genome position (GRCh38, 1-based): chr15:67,181,385, G>A. VCF-style: chr15-67181385-G-A. GRCh37 (hg19) VCF-style: chr15-67473723-G-A.
Other names: p.R268H:CGC>CAC; c.488G>A, p.Arg163His (NM_001145102.2); c.671G>A, p.Arg224His (NM_001145103.2); c.218G>A, p.Arg73His (NM_001145104.2); short protein forms R268H, R73H, R163H, R224H.
Identifiers: ClinVar variation 213766 (VCV000213766.27), dbSNP rs863223740, ClinGen allele CA321807.

ClinVar aggregate classification (germline): Pathogenic/Likely pathogenic. Review status: criteria provided, multiple submitters, no conflicts (2 of 4 stars). 12 submissions from 12 submitters: Pathogenic (6); Likely pathogenic (5). 1 of the submissions does not count toward it. Last evaluated 2026-09-17.

Conditions:
Thoracic aortic aneurysm and aortic dissection.
SMAD3-related disorder. Also called: SMAD3-related condition.
Familial thoracic aortic aneurysm and aortic dissection (TAAD). Also called: Thoracic aortic aneurysms and dissections. Identifiers: Orphanet 91387, MedGen C4707243, MONDO:0019625.
Aneurysm-osteoarthritis syndrome. Also called: ANEURYSMS-OSTEOARTHRITIS SYNDROME; SMAD3-Related Loeys-Dietz Syndrome; LOEYS-DIETZ SYNDROME WITH OSTEOARTHRITIS; Loeys-Dietz syndrome, type 1C. Identifiers: Orphanet 284984, MedGen C3151087, MONDO:0013426, OMIM 613795.

Submissions (12):

GeneDx
Classification: Likely pathogenic. Last evaluated: 2026-09-17. Review status: criteria provided, single submitter. Criteria: GeneDx Variant Classification Process June 2021. Collection method: clinical testing. Allele origin: germline.
Comment: Identified in patients with SMAD3-related disorders in published literature and referred for genetic testing at GeneDx (PMID: 26133393, 25944730, 26854089, 30675029, 31569402); In silico analysis supports that this missense variant has a deleterious effect on protein structure/function; Not observed at significant frequency in large population cohorts (gnomAD); This variant is associated with the following publications: (PMID: 39546729, 27135912, 30833837, 23139211, 10092624, 22810696, 26854089, 20101697, 15235019, 11779503, 30675029, 31569402, 26133393, 25944730, 32352226, 38305921, 40923070)

Labcorp Genetics (formerly Invitae), Labcorp
Classification: Pathogenic for Familial thoracic aortic aneurysm and aortic dissection. Last evaluated: 2026-01-17. Review status: criteria provided, single submitter. Criteria: Invitae Variant Classification Sherloc (09022015). Collection method: clinical testing. Allele origin: germline.
Comment: This sequence change replaces arginine, which is basic and polar, with histidine, which is basic and polar, at codon 268 of the SMAD3 protein (p.Arg268His). This variant is not present in population databases (gnomAD no frequency). This missense change has been observed in individual(s) with clinical features of SMAD3-related conditions (PMID: 25944730, 26854089; internal data). In at least one individual the variant was observed to be de novo. ClinVar contains an entry for this variant (Variation ID: 213766). Invitae Evidence Modeling incorporating data from in vitro experimental studies (internal data) indicates that this missense variant is expected to disrupt SMAD3 function with a positive predictive value of 95%. This variant disrupts the p.Arg268 amino acid residue in SMAD3. Other variant(s) that disrupt this residue have been determined to be pathogenic (PMID: 10092624, 29907982; internal data). This suggests that this residue is clinically significant, and that variants that disrupt this residue are likely to be disease-causing. For these reasons, this variant has been classified as Pathogenic.

3billion
Classification: Pathogenic for Aneurysm-osteoarthritis syndrome. Last evaluated: 2025-12-11. Review status: criteria provided, single submitter. Criteria: ACMG Guidelines, 2015. Collection method: clinical testing. Allele origin: germline. Affected: yes.
Comment: The variant is not observed in the gnomAD v4.1.0 dataset. Predicted Consequence/Location: The variant is located in a mutational hot spot and/or well-established functional domain in which established pathogenic variants have been reported (PMID: 29392890). In silico tool predictions suggest damaging effect of the variant on gene or gene product [REVEL: 0.99 (>=0.6, sensitivity 0.68 and specificity 0.92); 3Cnet: 0.99 (> 0.75, sensitivity 0.96 and precision 0.92)]. The same nucleotide change resulting in the same amino acid change has been previously reported as pathogenic/likely pathogenic with strong evidence (ClinVar ID: VCV000213766 /PMID: 25944730). Different missense changes at the same codon (p.Arg268Cys, p.Arg268Leu, p.Arg268Pro) have been reported as pathogenic/likely pathogenic with strong evidence (ClinVar ID: VCV000198187, VCV003256293, VCV004170023 /PMID: 29392890). Therefore, this variant is classified as Pathogenic according to the recommendation of ACMG/AMP guideline.

Color Diagnostics, LLC DBA Color Health
Classification: Likely pathogenic for Familial thoracic aortic aneurysm and aortic dissection. Last evaluated: 2025-06-18. Review status: criteria provided, single submitter. Criteria: ACMG Guidelines, 2015. Collection method: clinical testing. Allele origin: germline.
Comment: This missense variant replaces arginine with histidine at codon 268 in the MH2 protein interaction domain of the SMAD3 protein. Computational prediction suggests that this variant may have a deleterious impact on protein structure and function. To our knowledge, functional studies have not been reported for this variant. This variant has been reported in two individuals affected with familial thoracic aortic dissection and aneurysm (PMID: 26854089, 30675029) and in three individuals affected with Loeys-Dietz syndrome (PMID: 31569402, 30833837, 32352226). It has also been reported in an individual affected with aortic dissection (PMID: 25944730) and in an individual affected with aortic dilation (PMID: 26133393). It has been shown that this variant segregates with disease in two affected individuals from one family (PMID: 26854089). This variant has not been identified in the general population by the Genome Aggregation Database (gnomAD). A different variant affecting the same codon, p.Arg268Cys, is considered to be disease-causing (ClinVar variation ID: 198187), suggesting that arginine at this position is important for SMAD3 protein function. Based on the available evidence, this variant is classified as Likely Pathogenic.

Ambry Genetics
Classification: Pathogenic for Familial thoracic aortic aneurysm and aortic dissection. Last evaluated: 2025-04-16. Review status: criteria provided, single submitter. Criteria: Ambry Variant Classification Scheme 2023. Collection method: clinical testing. Allele origin: germline.
Comment: The p.R268H pathogenic mutation (also known as c.803G>A), located in coding exon 6 of the SMAD3 gene, results from a G to A substitution at nucleotide position 803. The arginine at codon 268 is replaced by histidine, an amino acid with highly similar properties. This variant was identified in one or more individuals with features consistent with SMAD3-related Loeys-Dietz syndrome and segregated with disease in at least one family (Zarate YA et al. Genet Med, 2016 Apr;18:356-63; Schubert JA et al. Am J Med Genet A, 2016 May;170A:1288-94; Kane BS et al. Tex Heart Inst J, 2019 Feb;46:41-43; Camerota L et al. Genes (Basel), 2019 Sep;10; Renner S et al. Genet Med, 2019 Aug;21:1832-1841; Mariucci E et al. Am J Med Genet A, 2020 Jul;182:1673-1680; Wooderchak-Donahue W et al. Am J Med Genet A, 2015 Aug;167A:1747-57; Ambry internal data). This missense alteration is located in a region that has a low rate of benign missense variation (Lek M et al. Nature. 2016 Aug 18;536(7616):285-91; DECIPHER: Database of Chromosomal Imbalance and Phenotype in Humans using Ensembl Resources. Firth H.V. et al. 2009. Am.J.Hum.Genet. 84, 524-533 (DOI)). This amino acid position is highly conserved in available vertebrate species. In addition, this alteration is predicted to be deleterious by in silico analysis. This variant is considered to be rare based on population cohorts in the Genome Aggregation Database (gnomAD). Based on the supporting evidence, this variant is interpreted as a disease-causing mutation.

Mayo Clinic Laboratories, Mayo Clinic
Classification: Pathogenic. Last evaluated: 2023-11-29. Review status: criteria provided, single submitter. Criteria: ACMG Guidelines, 2015. Collection method: clinical testing. Allele origin: germline. Observed: 1 variant allele.
Comment: PP2, PP3, PP4, PM2, PM5, PS4

Clinical Genetics Laboratory, Region Ostergotland
Classification: Likely pathogenic for Thoracic aortic aneurysm and aortic dissection. Last evaluated: 2023-04-28. Review status: criteria provided, single submitter. Criteria: ACMG Guidelines, 2015. Collection method: clinical testing. Allele origin: germline. Affected: yes.
Comment: The following ACMG/AMP criteria were applied in classifying this variant Likely Pathogenic: PS4, PM1, PM2, PP3

Blueprint Genetics
Classification: Pathogenic for SMAD3-related disorders. Last evaluated: 2022-10-20. Review status: criteria provided, single submitter. Criteria: ACMG Guidelines, 2015. Collection method: clinical testing. Allele origin: germline. Affected: yes. Observed: 1 variant allele.

CHEO Genetics Diagnostic Laboratory, Children's Hospital of Eastern Ontario
Classification: Likely pathogenic for Familial thoracic aortic aneurysm and aortic dissection. Last evaluated: 2020-03-18. Review status: criteria provided, single submitter. Criteria: ACMG Guidelines, 2015. Collection method: clinical testing. Allele origin: germline. Study: Canadian Open Genetics Repository.

Institute of Human Genetics, University Medical Center Hamburg-Eppendorf
Classification: Pathogenic for Thoracic aortic aneurysm and aortic dissection. Last evaluated: 2018-11-20. Review status: criteria provided, single submitter. Criteria: ACMG Guidelines, 2015. Collection method: clinical testing. Allele origin: unknown. Inheritance: Autosomal dominant inheritance. Affected: yes.

Laboratory for Molecular Medicine, Mass General Brigham Personalized Medicine
Classification: Likely pathogenic for Familial thoracic aortic aneurysm and aortic dissection. Last evaluated: 2015-10-30. Review status: criteria provided, single submitter. Criteria: LMM Criteria. Collection method: clinical testing. Allele origin: germline. Inheritance: Autosomal dominant inheritance. Observed: 1 variant allele.
Comment: The p.Arg268His variant has been reported in 2 adults with aortic dilation and a neurysm and segregated with disease in 1 affected relative (Chung 2013 abstract, Zarate 2015). This variant was absent from large population studies. In vitro f unctional studies provide some evidence that the p.Arg268His variant impacts the levels of intracellular SMAD3 protein, which may have some effect on the downst ream pathway (Chung 2013). However, these types of assays may not accurately rep resent biological function. Computational prediction tools and conservation anal ysis suggest that this variant may impact the protein, though this information i s not predictive enough to determine pathogenicity. In summary, although additio nal studies are required to fully establish its clinical significance, the p.Arg 268His variant is likely pathogenic.

PreventionGenetics, part of Exact Sciences
Classification: Pathogenic for SMAD3-related condition. Last evaluated: 2024-08-06. Review status: no assertion criteria provided. Collection method: clinical testing. Allele origin: germline. Not counted in ClinVar's aggregate classification.
Comment: The SMAD3 c.803G>A variant is predicted to result in the amino acid substitution p.Arg268His. This variant has been reported in multiple individuals with hereditary thoracic aortic disease and/or a clinical diagnosis of Loeys-Dietz syndrome (LDS) (Wooderchak-Donahue et al. 2015. PubMed ID: 25944730; Schubert et al. 2016. PubMed ID: 26854089; Renner et al. 2019. PubMed ID: 30675029; Camerota et al. 2019. PubMed ID: 31569402; Mariucci et al. 2020. PubMed ID: 32352226). This variant has also been reported de novo in an individual with LDS and aplastic anemia (Zha et al. 2024. PubMed ID: 38305921). In vitro studies of bone marrow mononuclear cells (BMMNCs) from this patient detected significantly decreased SMAD3 mRNA and protein expression relative to wild type (Zha et al. 2024. PubMed ID: 38305921). This variant has not been reported in the gnomAD database, indicating this variant is rare. Another missense variant at the same amino acid residue (p.Arg268Cys) has been reported in an individual with hereditary thoracic aortic disease and has been shown to be functionally damaging (Stroschein et al. 1999. PubMed ID: 10092624; Overwater et al. 2018. PubMed ID: 29907982). Taken together, the p.Arg268His variant is interpreted as pathogenic.

Literature cited by the submitters: PubMed 25944730 (cited by 5 submitters); PubMed 26854089 (cited by 4 submitters); PubMed 10092624 (cited by Labcorp Genetics (formerly Invitae), Labcorp); PubMed 29907982 (cited by Labcorp Genetics (formerly Invitae), Labcorp); PubMed 29392890 (cited by 3billion); PubMed 26133393 (cited by 3 submitters); PubMed 30675029 (cited by 4 submitters); PubMed 30833837 (cited by 3 submitters); PubMed 31569402 (cited by 3 submitters); PubMed 32352226 (cited by 3 submitters).